The following is an entry in ClinVar:

NM_001384900.1(SEMA3D):c.280A>G (p.Ser94Gly)

Gene: SEMA3D (semaphorin 3D; minus strand). Cytogenetic location: 7q21.11.
Variant type: single nucleotide variant.
Coding change: c.280A>G on transcript NM_001384900.1 (MANE Select); coding-DNA position 280, A replaced by G.
Protein change: p.Ser94Gly; replaces serine 94 with glycine.
Molecular consequence: missense variant.
Genome position (GRCh38, 1-based): chr7:85,097,837, T>C on the plus strand (A>G on the coding strand, the complement: SEMA3D is on the minus strand). VCF-style: chr7-85097837-T-C. GRCh37 (hg19) VCF-style: chr7-84727153-T-C.
Other names: c.280A>G, p.Ser94Gly (NM_001384901.1, NM_001384902.1, NM_001384903.1 and 1 more transcripts); short protein forms S94G.
Identifiers: ClinVar variation 3350562 (VCV003350562.1).

ClinVar aggregate classification (germline): Uncertain significance (0 of 4 stars; one submission).

Conditions:
SEMA3D-related disorder. Also called: SEMA3D-related condition.

gnomAD v4.1: 8 of 1,606,394 alleles (0.0005%); highest among the groups gnomAD compares: Admixed American, 0.01%; no homozygotes.

Submission:

PreventionGenetics, part of Exact Sciences
Classification: Uncertain significance for SEMA3D-related condition. Last evaluated: 2024-03-13. Review status: no assertion criteria provided. Collection method: clinical testing. Allele origin: germline.
Comment: The SEMA3D c.280A>G variant is predicted to result in the amino acid substitution p.Ser94Gly. To our knowledge, this variant has not been reported in the literature. This variant is reported in 0.012% of alleles in individuals of Latino descent in gnomAD. At this time, the clinical significance of this variant is uncertain due to the absence of conclusive functional and genetic evidence.